The following is an entry in ClinVar:

ClinVar aggregate classification (germline): Uncertain significance (1 of 4 stars; one submission).

Conditions:
Cardiovascular phenotype. Identifiers: MedGen CN230736.

Submission:

Ambry Genetics
Classification: Uncertain significance for Cardiovascular phenotype. Last evaluated: 2023-03-13. Review status: criteria provided, single submitter. Criteria: Ambry Variant Classification Scheme 2023. Collection method: clinical testing. Allele origin: germline.
Comment: The p.S1898A variant (also known as c.5692T>G), located in coding exon 26 of the APOB gene, results from a T to G substitution at nucleotide position 5692. The serine at codon 1898 is replaced by alanine, an amino acid with similar properties. This amino acid position is conserved. In addition, this alteration is predicted to be tolerated by in silico analysis. Since supporting evidence is limited at this time, the clinical significance of this alteration remains unclear.

NM_000384.3(APOB):c.5692T>G (p.Ser1898Ala)

Gene: APOB (apolipoprotein B; minus strand). Cytogenetic location: 2p24.1.
Variant type: single nucleotide variant.
Coding change: c.5692T>G on transcript NM_000384.3 (MANE Select); coding-DNA position 5692, T replaced by G.
Protein change: p.Ser1898Ala; replaces serine 1898 with alanine.
Molecular consequence: missense variant.
Genome position (GRCh38, 1-based): chr2:21,011,176, A>C on the plus strand (T>G on the coding strand, the complement: APOB is on the minus strand). VCF-style: chr2-21011176-A-C. GRCh37 (hg19) VCF-style: chr2-21234048-A-C.
Other names: short protein forms S1898A.
Identifiers: ClinVar variation 2446984 (VCV002446984.2), dbSNP rs1663309102, ClinGen allele CA346004181.